The following is an entry in ClinVar:

ClinVar aggregate classification (germline): Likely benign. Review status: criteria provided, multiple submitters, no conflicts (2 of 4 stars). 3 submissions from 3 submitters: Likely benign (2). 1 of the submissions does not count toward it. Last evaluated 2026-07-14.

Conditions:
Nemaline myopathy 2 (NEM2). Also called: Nemaline myopathy 2, autosomal recessive. Identifiers: MedGen C1850569, MONDO:0009725, OMIM 256030.
NEB-related disorder. Also called: NEB-related condition; NEB-Related Disorders.

Allele frequency attached by ClinVar (database versions not stated): gnomAD exomes 0.00001 and 0.00003; ExAC 0.00003; gnomAD 0.00008; TOPMed 0.00008; 1000 Genomes Project 0.00020; 1000 Genomes Project 30x 0.00031.
gnomAD v4.1: 20 of 1,613,996 alleles (0.0012%); highest among the groups gnomAD compares: African/African-American, 0.02%; no homozygotes.

Submissions (3):

PreventionGenetics, part of Exact Sciences
Classification: Likely benign for NEB-related condition. Last evaluated: 2026-07-14. Review status: criteria provided, single submitter. Criteria: ACMG Guidelines, 2015. Collection method: clinical testing. Allele origin: germline.
Comment: This variant is classified as likely benign based on ACMG/AMP sequence variant interpretation guidelines (Richards et al. 2015 PMID: 25741868, with internal and published modifications).

Labcorp Genetics (formerly Invitae), Labcorp
Classification: Likely benign for Nemaline myopathy 2. Last evaluated: 2025-12-22. Review status: criteria provided, single submitter. Criteria: Invitae Variant Classification Sherloc (09022015). Collection method: clinical testing. Allele origin: germline.

Natera, Inc.
Classification: Uncertain significance for Nemaline myopathy type 2. Last evaluated: 2020-03-17. Review status: no assertion criteria provided. Collection method: clinical testing. Allele origin: germline. Not counted in ClinVar's aggregate classification.

NM_001164508.2(NEB):c.4431T>C (p.Asp1477=)

Gene: NEB (nebulin; minus strand). Cytogenetic location: 2q23.3.
Variant type: single nucleotide variant.
Coding change: c.4431T>C on transcript NM_001164508.2 (MANE Select); coding-DNA position 4431, T replaced by C.
Protein change: p.Asp1477=; no amino-acid change (aspartic acid 1477 retained).
Molecular consequence: synonymous variant.
Genome position (GRCh38, 1-based): chr2:151,671,098, A>G on the plus strand (T>C on the coding strand, the complement: NEB is on the minus strand). VCF-style: chr2-151671098-A-G. GRCh37 (hg19) VCF-style: chr2-152527612-A-G.
Other names: c.4431T>C, p.Asp1477= (NM_001164507.2, NM_001271208.2, NM_004543.5).
Identifiers: ClinVar variation 789420 (VCV000789420.14), dbSNP rs140558263, ClinGen allele CA1910633.